The following is an entry in ClinVar:

NM_004369.4(COL6A3):c.9013G>A (p.Ala3005Thr)

Gene: COL6A3 (collagen type VI alpha 3 chain; minus strand). Cytogenetic location: 2q37.3.
Variant type: single nucleotide variant.
Coding change: c.9013G>A on transcript NM_004369.4 (MANE Select); coding-DNA position 9013, G replaced by A.
Protein change: p.Ala3005Thr; replaces alanine 3005 with threonine.
Molecular consequence: missense variant.
Genome position (GRCh38, 1-based): chr2:237,334,842, C>T on the plus strand (G>A on the coding strand, the complement: COL6A3 is on the minus strand). VCF-style: chr2-237334842-C-T. GRCh37 (hg19) VCF-style: chr2-238243485-C-T.
Other names: c.7192G>A, p.Ala2398Thr (NM_057166.5); c.8395G>A, p.Ala2799Thr (NM_057167.4); short protein forms A2398T, A2799T, A3005T.
Identifiers: ClinVar variation 2414266 (VCV002414266.43), dbSNP rs551422404, ClinGen allele CA2187382.

ClinVar aggregate classification (germline): Uncertain significance (1 of 4 stars; one submission).

Conditions:
Bethlem myopathy 1A. Also called: Bethlem Muscular Dystrophy; MYOPATHY, BENIGN CONGENITAL, WITH CONTRACTURES; Bethlem myopathy 1. Identifiers: Orphanet 610, MedGen CN029274, MONDO:0024530, OMIM 158810.

Allele frequency attached by ClinVar (database versions not stated): TOPMed 0.00001; ExAC 0.00002; 1000 Genomes Project 30x 0.00016; 1000 Genomes Project 0.00020; gnomAD 0.00001.
gnomAD v4.1: 19 of 1,614,126 alleles (0.0012%); highest among the groups gnomAD compares: South Asian, 0.011%; no homozygotes.

Submission:

Labcorp Genetics (formerly Invitae), Labcorp
Classification: Uncertain significance for Bethlem myopathy 1A. Last evaluated: 2021-12-18. Review status: criteria provided, single submitter. Criteria: Invitae Variant Classification Sherloc (09022015). Collection method: clinical testing. Allele origin: germline.
Comment: This sequence change replaces alanine, which is neutral and non-polar, with threonine, which is neutral and polar, at codon 3005 of the COL6A3 protein (p.Ala3005Thr). This variant is present in population databases (rs551422404, gnomAD 0.01%). This variant has not been reported in the literature in individuals affected with COL6A3-related conditions. Advanced modeling of protein sequence and biophysical properties (such as structural, functional, and spatial information, amino acid conservation, physicochemical variation, residue mobility, and thermodynamic stability) performed at Invitae indicates that this missense variant is not expected to disrupt COL6A3 protein function. In summary, the available evidence is currently insufficient to determine the role of this variant in disease. Therefore, it has been classified as a Variant of Uncertain Significance.